The following is an entry in ClinVar:

ClinVar aggregate classification (germline): Uncertain significance (1 of 4 stars; one submission).

Conditions:
Rubinstein-Taybi syndrome (RSTS). Identifiers: Orphanet 783, MedGen C0035934, MONDO:0019188.

Submission:

Labcorp Genetics (formerly Invitae), Labcorp
Classification: Uncertain significance for Rubinstein-Taybi syndrome. Last evaluated: 2025-06-18. Review status: criteria provided, single submitter. Criteria: Invitae Variant Classification Sherloc (09022015). Collection method: clinical testing. Allele origin: germline.
Comment: This sequence change creates a premature translational stop signal (p.Gln2267*) in the CREBBP gene. While this is not anticipated to result in nonsense mediated decay, it is expected to disrupt the last 176 amino acid(s) of the CREBBP protein. This variant is not present in population databases (gnomAD no frequency). This variant has not been reported in the literature in individuals affected with CREBBP-related conditions. Experimental studies and prediction algorithms are not available or were not evaluated, and the functional significance of this variant is currently unknown. In summary, the available evidence is currently insufficient to determine the role of this variant in disease. Therefore, it has been classified as a Variant of Uncertain Significance.

NM_004380.3(CREBBP):c.6799C>T (p.Gln2267Ter)

Gene: CREBBP (CREB binding lysine acetyltransferase; minus strand). Cytogenetic location: 16p13.3.
Variant type: single nucleotide variant.
Coding change: c.6799C>T on transcript NM_004380.3 (MANE Select); coding-DNA position 6799, C replaced by T.
Protein change: p.Gln2267Ter; replaces glutamine 2267 with a stop codon.
Molecular consequence: nonsense.
Genome position (GRCh38, 1-based): chr16:3,728,248, G>A on the plus strand (C>T on the coding strand, the complement: CREBBP is on the minus strand). VCF-style: chr16-3728248-G-A. GRCh37 (hg19) VCF-style: chr16-3778249-G-A.
Other names: c.6685C>T, p.Gln2229Ter (NM_001079846.1); short protein forms Q2229*, Q2267*.
Identifiers: ClinVar variation 4719329 (VCV004719329.1).
Genomic context (GRCh38, chr16:3,728,248, plus strand): 5'-TGTTGGGGGTGCTGTCTGCCCCCAGCCCCGGCTGCCCCATCTGGCCAAGCTGTCCCATCT[G>A]AGCCGCCATCTGGCCCATGGAGCTGCCCTGGAGGGGGAGATGCTGCTGCATGCGCTGCTG-3'